The following is an entry in ClinVar:

ClinVar aggregate classification (germline): Pathogenic/Likely pathogenic. Review status: criteria provided, multiple submitters, no conflicts (2 of 4 stars). 3 submissions from 3 submitters: Pathogenic (1); Likely pathogenic (2). Last evaluated 2023-12-30.

Conditions:
Hereditary spastic paraplegia 11. Also called: Spastic Paraplegia 11; Spastic paraplegia, mental retardation and thin corpus callosum; Nakamura Osame syndrome; Autosomal recessive hereditary spastic paraplegia, mental impairment, and thin corpus callosum; SPASTIC PARAPLEGIA, AUTOSOMAL RECESSIVE, COMPLICATED, WITH THIN CORPUS CALLOSUM; SPASTIC PARAPLEGIA, AUTOSOMAL RECESSIVE, WITH MENTAL IMPAIRMENT AND THIN CORPUS CALLOSUM. Identifiers: Orphanet 2822, MedGen C1858479, MONDO:0011445, OMIM 604360.
Abnormal brain morphology. Also called: Abnormality of brain morphology. Identifiers: MedGen C4021085, HP:0012443.

Submissions (3):

Labcorp Genetics (formerly Invitae), Labcorp
Classification: Pathogenic for Hereditary spastic paraplegia 11. Last evaluated: 2023-12-30. Review status: criteria provided, single submitter. Criteria: Invitae Variant Classification Sherloc (09022015). Collection method: clinical testing. Allele origin: germline.
Comment: This sequence change creates a premature translational stop signal (p.Ala1726Glnfs*112) in the SPG11 gene. It is expected to result in an absent or disrupted protein product. Loss-of-function variants in SPG11 are known to be pathogenic (PMID: 19105190, 20110243, 22154821, 26556829). This variant is not present in population databases (gnomAD no frequency). This premature translational stop signal has been observed in individual(s) with spastic paraplegia (PMID: 26539891). It has also been observed to segregate with disease in related individuals. ClinVar contains an entry for this variant (Variation ID: 402197). For these reasons, this variant has been classified as Pathogenic.

Genome-Nilou Lab
Classification: Likely pathogenic for Hereditary spastic paraplegia 11. Review status: criteria provided, single submitter. Criteria: ACMG Guidelines, 2015. Collection method: clinical testing. Allele origin: germline.

Lupski Lab, Baylor-Hopkins CMG, Baylor College of Medicine
Classification: Likely pathogenic for Abnormal brain morphology. Review status: criteria provided, single submitter. Criteria: Karaca et al. (Neuron 2015). Collection method: research. Allele origin: inherited. Inheritance: Autosomal recessive inheritance. Affected: yes.

Literature cited by the submitters: PubMed 19105190 (cited by Labcorp Genetics (formerly Invitae), Labcorp); PubMed 20110243 (cited by Labcorp Genetics (formerly Invitae), Labcorp); PubMed 22154821 (cited by Labcorp Genetics (formerly Invitae), Labcorp); PubMed 26556829 (cited by Labcorp Genetics (formerly Invitae), Labcorp); PubMed 26539891 (cited by Labcorp Genetics (formerly Invitae), Labcorp).

NM_025137.4(SPG11):c.5175del (p.Ala1726fs)

Gene: SPG11 (SPG11 vesicle trafficking associated, spatacsin; minus strand). Cytogenetic location: 15q21.1.
Variant type: Deletion.
Coding change: c.5175del on transcript NM_025137.4 (MANE Select); coding-DNA position 5175, one base deleted (A; older notation c.5175delA).
Protein change: p.Ala1726fs; shifts the reading frame from alanine 1726.
Molecular consequence: frameshift variant.
Genome position (GRCh38, 1-based): chr15:44,584,505, T deleted on the plus strand (A on the coding strand, the reverse complement: SPG11 is on the minus strand); the first of 2 consecutive T bases (chr15:44,584,505-44,584,506); deleting either gives the same sequence. VCF-style (leftmost placement, unchanged base first): chr15-44584504-CT-C. GRCh37 (hg19) VCF-style: chr15-44876702-CT-C.
Other names: c.5175del, p.Ala1726fs (NM_001160227.2); short protein forms A1726fs.
Identifiers: ClinVar variation 402197 (VCV000402197.10), dbSNP rs1060499768, ClinGen allele CA16609533.
Genomic context (GRCh38, chr15:44,584,504, plus strand): 5'-TGCTTGAAATTGAATTTTTCTTAAAATTCTCATGGCATTTTTTCCAGAAGTCAATTCTTG[CT>C]TGTTTTAGTGACCACTGTTCAATGTGTTTTAGGGTCTGCATTTCCTGTGTTATCTGTGAA-3'